The following is an entry in ClinVar:

NM_000321.3(RB1):c.2537A>G (p.Gln846Arg)

Gene: RB1 (RB transcriptional corepressor 1; plus strand). Cytogenetic location: 13q14.2.
Variant type: single nucleotide variant.
Coding change: c.2537A>G on transcript NM_000321.3 (MANE Select); coding-DNA position 2537, A replaced by G.
Protein change: p.Gln846Arg; replaces glutamine 846 with arginine.
Molecular consequence: missense variant. On other transcripts: 5 prime UTR variant (1).
Genome position (GRCh38, 1-based): chr13:48,476,717, A>G. VCF-style: chr13-48476717-A-G. GRCh37 (hg19) VCF-style: chr13-49050853-A-G.
Other names: c.2537A>G, p.Gln846Arg (NM_001407165.1); c.-14A>G (NM_001407168.1); short protein forms Q846R.
Identifiers: ClinVar variation 3430908 (VCV003430908.1).

ClinVar aggregate classification (germline): Uncertain significance (1 of 4 stars; one submission).

Conditions:
Hereditary cancer-predisposing syndrome. Also called: Neoplastic Syndromes, Hereditary; Tumor predisposition; Hereditary Cancer Syndrome; Hereditary neoplastic syndrome. Identifiers: Orphanet 140162, MedGen C0027672, MeSH D009386, MONDO:0015356.

Submission:

Ambry Genetics
Classification: Uncertain significance for Hereditary cancer-predisposing syndrome. Last evaluated: 2024-10-14. Review status: criteria provided, single submitter. Criteria: Ambry Variant Classification Scheme 2023. Collection method: clinical testing. Allele origin: germline.
Comment: The p.Q846R variant (also known as c.2537A>G), located in coding exon 25 of the RB1 gene, results from an A to G substitution at nucleotide position 2537. The glutamine at codon 846 is replaced by arginine, an amino acid with highly similar properties. This amino acid position is conserved. In addition, this alteration is predicted to be tolerated by in silico analysis. Based on the available evidence, the clinical significance of this variant remains unclear.